The following is an entry in ClinVar:

ClinVar aggregate classification (germline): Uncertain significance (1 of 4 stars; one submission).

Conditions:
Rubinstein-Taybi syndrome (RSTS). Identifiers: Orphanet 783, MedGen C0035934, MONDO:0019188.

Submission:

Labcorp Genetics (formerly Invitae), Labcorp
Classification: Uncertain significance for Rubinstein-Taybi syndrome. Last evaluated: 2025-11-01. Review status: criteria provided, single submitter. Criteria: Invitae Variant Classification Sherloc (09022015). Collection method: clinical testing. Allele origin: germline.
Comment: This sequence change replaces proline, which is neutral and non-polar, with threonine, which is neutral and polar, at codon 746 of the CREBBP protein (p.Pro746Thr). This variant is not present in population databases (gnomAD no frequency). This variant has not been reported in the literature in individuals affected with CREBBP-related conditions. Invitae Evidence Modeling of protein sequence and biophysical properties (such as structural, functional, and spatial information, amino acid conservation, physicochemical variation, residue mobility, and thermodynamic stability) indicates that this missense variant is not expected to disrupt CREBBP protein function with a negative predictive value of 95%. In summary, the available evidence is currently insufficient to determine the role of this variant in disease. Therefore, it has been classified as a Variant of Uncertain Significance.

NM_004380.3(CREBBP):c.2236C>A (p.Pro746Thr)

Gene: CREBBP (CREB binding lysine acetyltransferase; minus strand). Cytogenetic location: 16p13.3.
Variant type: single nucleotide variant.
Coding change: c.2236C>A on transcript NM_004380.3 (MANE Select); coding-DNA position 2236, C replaced by A.
Protein change: p.Pro746Thr; replaces proline 746 with threonine.
Molecular consequence: missense variant.
Genome position (GRCh38, 1-based): chr16:3,774,616, G>T on the plus strand (C>A on the coding strand, the complement: CREBBP is on the minus strand). VCF-style: chr16-3774616-G-T. GRCh37 (hg19) VCF-style: chr16-3824617-G-T.
Other names: c.2122C>A, p.Pro708Thr (NM_001079846.1); short protein forms P746T, P708T.
Identifiers: ClinVar variation 4693245 (VCV004693245.1).
Genomic context (GRCh38, chr16:3,774,616, plus strand): 5'-AGAGAACACTTACCCCTGGCACTGAGCCCATGCTGTTCATCTGGACAGAGTGGTTCATTG[G>T]GGAGGCTGCACGAGGTCCCATGGGTGCTTGTGGCAACTGGACGTTCCCCAAGGACATGGG-3'
Protein context (NP_004371.2, residues 736-756): QAPMGPRAAS[Pro746Thr]MNHSVQMNSM